The following is an entry in ClinVar:

ClinVar aggregate classification (germline): Uncertain significance. Review status: criteria provided, multiple submitters, no conflicts (2 of 4 stars). 2 submissions from 2 submitters: Uncertain significance (2). Last evaluated 2022-12-15.

Conditions:
INO80-related disorder. Also called: INO80-related condition.

Allele frequency attached by ClinVar (database versions not stated): gnomAD exomes 0.00001; TOPMed 0.00001; gnomAD 0.00002.
gnomAD v4.1: 17 of 1,613,982 alleles (0.0011%); highest among the groups gnomAD compares: African/African-American, 0.0027%; no homozygotes.

Submissions (2):

PreventionGenetics, part of Exact Sciences
Classification: Uncertain significance for INO80-related condition. Last evaluated: 2022-12-15. Review status: criteria provided, single submitter. Criteria: ACMG Guidelines, 2015. Collection method: clinical testing. Allele origin: germline.
Comment: The INO80 c.3085C>G variant is predicted to result in the amino acid substitution p.Arg1029Gly. To our knowledge, this variant has not been reported in the literature. This variant is reported in 0.0062% of alleles in individuals of African descent in gnomAD. At this time, the clinical significance of this variant is uncertain due to the absence of conclusive functional and genetic evidence.

Ambry Genetics
Classification: Uncertain significance. Last evaluated: 2021-12-20. Review status: criteria provided, single submitter. Criteria: Ambry Variant Classification Scheme 2023. Collection method: clinical testing. Allele origin: germline.

NM_017553.3(INO80):c.3085C>G (p.Arg1029Gly)

Genes: INO80 (INO80 complex ATPase subunit; minus strand), INO80-AS1 (INO80 antisense RNA 1; plus strand). Cytogenetic location: 15q15.1.
Variant type: single nucleotide variant.
Coding change: c.3085C>G on transcript NM_017553.3 (MANE Select); coding-DNA position 3085, C replaced by G.
Protein change: p.Arg1029Gly; replaces arginine 1029 with glycine.
Molecular consequence: missense variant. On other transcripts: non-coding transcript variant (1).
Genome position (GRCh38, 1-based): chr15:41,021,089, G>C on the plus strand (C>G on the coding strand, the complement: INO80 is on the minus strand). VCF-style: chr15-41021089-G-C. GRCh37 (hg19) VCF-style: chr15-41313287-G-C.
Other names: c.3085C>G (NM_017553.2); short protein forms R1029G.
Identifiers: ClinVar variation 2353519 (VCV002353519.3), dbSNP rs1448541991, ClinGen allele CA391785107.